The following is an entry in ClinVar:

NM_001105206.3(LAMA4):c.1614G>T (p.Ala538=)

Gene: LAMA4 (laminin subunit alpha 4; minus strand). Cytogenetic location: 6q21.
Variant type: single nucleotide variant.
Coding change: c.1614G>T on transcript NM_001105206.3 (MANE Select); coding-DNA position 1614, G replaced by T.
Protein change: p.Ala538=; no amino-acid change (alanine 538 retained).
Molecular consequence: synonymous variant.
Genome position (GRCh38, 1-based): chr6:112,165,214, C>A on the plus strand (G>T on the coding strand, the complement: LAMA4 is on the minus strand). VCF-style: chr6-112165214-C-A. GRCh37 (hg19) VCF-style: chr6-112486416-C-A.
Other names: c.1593G>T, p.Ala531= (NM_001105207.3, NM_002290.5); c.1593G>T (LRG_433t2).
Identifiers: ClinVar variation 381135 (VCV000381135.1), dbSNP rs143587921, ClinGen allele CA16604838.

ClinVar aggregate classification (germline): Likely benign (1 of 4 stars; one submission).

Submission:

GeneDx
Classification: Likely benign. Last evaluated: 2015-11-03. Review status: criteria provided, single submitter. Criteria: GeneDx Variant Classification (06012015). Collection method: clinical testing. Allele origin: germline. Affected: yes.
Comment: This variant is considered likely benign or benign based on one or more of the following criteria: it is a conservative change, it occurs at a poorly conserved position in the protein, it is predicted to be benign by multiple in silico algorithms, and/or has population frequency not consistent with disease.